The following is an entry in ClinVar:

NM_004183.4(BEST1):c.579_580insCATT (p.Lys194delinsHisTer)

Gene: BEST1 (bestrophin 1; plus strand). Cytogenetic location: 11q12.3.
Variant type: Insertion.
Coding change: c.579_580insCATT on transcript NM_004183.4 (MANE Select); coding-DNA positions 579 to 580, CATT inserted.
Protein change: p.Lys194delinsHisTer.
Molecular consequence: nonsense. On other transcripts: frameshift variant (3), non-coding transcript variant (1).
Genome position: GRCh38 VCF-style: chr11-61956941-G-GCATT. GRCh37 (hg19) VCF-style: chr11-61724413-G-GCATT.
Other names: c.399_400insCATT, p.Lys134Hisfs (NM_001139443.3); c.399_400insCATT, p.Lys134delinsHisTer (NM_001300786.2, NM_001300787.2); c.261_262insCATT, p.Lys88Hisfs (NM_001363591.3); c.579_580insCATT, p.Lys194Hisfs (NM_001363592.2); c.-597_-596insCATT (NM_001363593.3).
Identifiers: ClinVar variation 1069277 (VCV001069277.7), dbSNP rs2134437355, ClinGen allele CA2499221105.

ClinVar aggregate classification (germline): Pathogenic (1 of 4 stars; one submission).

Submission:

Labcorp Genetics (formerly Invitae), Labcorp
Classification: Pathogenic. Last evaluated: 2025-02-27. Review status: criteria provided, single submitter. Criteria: Invitae Variant Classification Sherloc (09022015). Collection method: clinical testing. Allele origin: germline.
Comment: This sequence change creates a premature translational stop signal (p.Lys194Hisfs*2) in the BEST1 gene. It is expected to result in an absent or disrupted protein product. Loss-of-function variants in BEST1 are known to be pathogenic (PMID: 21825197). This variant is not present in population databases (gnomAD no frequency). This premature translational stop signal has been observed in individual(s) with clinical features of BEST1-related conditions (PMID: 36672815). ClinVar contains an entry for this variant (Variation ID: 1069277). Algorithms developed to predict the effect of sequence changes on RNA splicing suggest that this variant may disrupt the consensus splice site. For these reasons, this variant has been classified as Pathogenic.

Literature cited by the submitters: PubMed 21825197; PubMed 36672815.